The following is an entry in ClinVar:

NM_001142864.4(PIEZO1):c.4219C>A (p.Leu1407Met)

Gene: PIEZO1 (piezo type mechanosensitive ion channel component 1 (Er blood group); minus strand). Cytogenetic location: 16q24.3.
Variant type: single nucleotide variant.
Coding change: c.4219C>A on transcript NM_001142864.4 (MANE Select); coding-DNA position 4219, C replaced by A.
Protein change: p.Leu1407Met; replaces leucine 1407 with methionine.
Molecular consequence: missense variant.
Genome position (GRCh38, 1-based): chr16:88,725,024, G>T on the plus strand (C>A on the coding strand, the complement: PIEZO1 is on the minus strand). VCF-style: chr16-88725024-G-T. GRCh37 (hg19) VCF-style: chr16-88791432-G-T.
Other names: short protein forms L1407M.
Identifiers: ClinVar variation 3358105 (VCV003358105.2).

ClinVar aggregate classification (germline): Uncertain significance. Review status: criteria provided, single submitter (1 of 4 stars). 2 submissions from 2 submitters: Uncertain significance (1). 1 of the submissions does not count toward it. Last evaluated 2024-10-09.

Conditions:
PIEZO1-related disorder. Also called: PIEZO1-related condition; PIEZO1-Related Disorders.

gnomAD v4.1: 6 of 1,494,754 alleles (0.0004%); highest among the groups gnomAD compares: African/African-American, 0.0086%; no homozygotes.

Submissions (2):

Revvity Omics, Revvity
Classification: Uncertain significance. Last evaluated: 2024-10-09. Review status: criteria provided, single submitter. Criteria: ACMG Guidelines, 2015. Collection method: clinical testing. Allele origin: germline.

PreventionGenetics, part of Exact Sciences
Classification: Uncertain significance for PIEZO1-related condition. Last evaluated: 2024-08-28. Review status: no assertion criteria provided. Collection method: clinical testing. Allele origin: germline. Not counted in ClinVar's aggregate classification.
Comment: The PIEZO1 c.4219C>A variant is predicted to result in the amino acid substitution p.Leu1407Met. To our knowledge, this variant has not been reported in the literature. This variant is reported in 0.046% of alleles in individuals of African descent in gnomAD. At this time, the clinical significance of this variant is uncertain due to the absence of conclusive functional and genetic evidence.